The following is an entry in ClinVar:

ClinVar aggregate classification (germline): Benign/Likely benign. Review status: criteria provided, multiple submitters, no conflicts (2 of 4 stars). 2 submissions from 2 submitters: Benign (1); Likely benign (1). Last evaluated 2025-10-21.

Conditions:
Majeed syndrome (MJDS). Also called: CHRONIC RECURRENT MULTIFOCAL OSTEOMYELITIS 1, WITH CONGENITAL DYSERYTHROPOIETIC ANEMIA, WITH OR WITHOUT NEUTROPHILIC DERMATOSIS; LPIN2-Related Majeed Syndrome. Identifiers: Orphanet 77297, MedGen C1864997, MONDO:0012316, OMIM 609628.

Allele frequency attached by ClinVar (database versions not stated): ExAC 0.00009; gnomAD 0.00010; gnomAD exomes 0.00010; TOPMed 0.00010.
gnomAD v4.1: 256 of 1,607,848 alleles (0.016%); highest among the groups gnomAD compares: Middle Eastern, 0.033%; 3 homozygotes.

Submissions (2):

Labcorp Genetics (formerly Invitae), Labcorp
Classification: Benign for Majeed syndrome. Last evaluated: 2025-10-21. Review status: criteria provided, single submitter. Criteria: Invitae Variant Classification Sherloc (09022015). Collection method: clinical testing. Allele origin: germline.

GeneDx
Classification: Likely benign. Last evaluated: 2015-12-04. Review status: criteria provided, single submitter. Criteria: GeneDx Variant Classification (06012015). Collection method: clinical testing. Allele origin: germline. Affected: yes.
Comment: This variant is considered likely benign or benign based on one or more of the following criteria: it is a conservative change, it occurs at a poorly conserved position in the protein, it is predicted to be benign by multiple in silico algorithms, and/or has population frequency not consistent with disease.

NM_001375808.2(LPIN2):c.289-16C>T

Gene: LPIN2 (lipin 2; minus strand). Cytogenetic location: 18p11.31.
Variant type: single nucleotide variant.
Coding change: c.289-16C>T on transcript NM_001375808.2 (MANE Select); 16 bases into the intron before coding-DNA position 289, C replaced by T.
Molecular consequence: intron variant.
Genome position (GRCh38, 1-based): chr18:2,951,372, G>A on the plus strand (C>T on the coding strand, the complement: LPIN2 is on the minus strand). VCF-style: chr18-2951372-G-A. GRCh37 (hg19) VCF-style: chr18-2951370-G-A.
Other names: c.289-16C>T (NM_014646.2, NM_001375809.1).
Identifiers: ClinVar variation 245640 (VCV000245640.9), dbSNP rs759180126, ClinGen allele CA8873586.